The following is an entry in ClinVar:

ClinVar aggregate classification (germline): Likely benign. Review status: criteria provided, multiple submitters, no conflicts (2 of 4 stars). 4 submissions from 4 submitters: Likely benign (4). Last evaluated 2025-08-31.

Conditions:
Charcot-Marie-Tooth disease axonal type 2O. Also called: Charcot-Marie-Tooth Neuropathy Type 2O; CHARCOT-MARIE-TOOTH NEUROPATHY, AXONAL, TYPE 2O; CHARCOT-MARIE-TOOTH DISEASE, AXONAL, AUTOSOMAL DOMINANT, TYPE 2O; Charcot-Marie-Tooth disease, axonal, type 20. Identifiers: Orphanet 284232, MedGen C3280220, MONDO:0013644, OMIM 614228.
Inborn genetic diseases. Identifiers: MedGen C0950123, MeSH D030342.

Allele frequency attached by ClinVar (database versions not stated): gnomAD exomes 0.00004; ExAC 0.00005; gnomAD 0.00010; TOPMed 0.00011; 1000 Genomes Project 30x 0.00016; 1000 Genomes Project 0.00020.
gnomAD v4.1: 76 of 1,614,238 alleles (0.0047%); highest among the groups gnomAD compares: Middle Eastern, 0.033%; 1 homozygote.

Submissions (4):

Labcorp Genetics (formerly Invitae), Labcorp
Classification: Likely benign for Charcot-Marie-Tooth disease axonal type 2O. Last evaluated: 2025-08-31. Review status: criteria provided, single submitter. Criteria: Invitae Variant Classification Sherloc (09022015). Collection method: clinical testing. Allele origin: germline.

CeGaT Center for Human Genetics Tuebingen
Classification: Likely benign. Last evaluated: 2022-07-01. Review status: criteria provided, single submitter. Criteria: CeGaT Center For Human Genetics Tuebingen Variant Classification Criteria Version 2. Collection method: clinical testing. Allele origin: germline. Affected: yes. Observed: 1 variant allele.
Comment: DYNC1H1: BP4, BP7

ARUP Laboratories, Molecular Genetics and Genomics, ARUP Laboratories
Classification: Likely benign. Last evaluated: 2020-12-12. Review status: criteria provided, single submitter. Criteria: ARUP Molecular Germline Variant Investigation Process 2021. Collection method: clinical testing. Allele origin: germline.

Ambry Genetics
Classification: Likely benign for Inborn genetic diseases. Last evaluated: 2016-04-15. Review status: criteria provided, single submitter. Criteria: Ambry Variant Classification Scheme 2023. Collection method: clinical testing. Allele origin: germline.

NM_001376.5(DYNC1H1):c.7317C>T (p.His2439=)

Gene: DYNC1H1 (dynein cytoplasmic 1 heavy chain 1; plus strand). Cytogenetic location: 14q32.31.
Variant type: single nucleotide variant.
Coding change: c.7317C>T on transcript NM_001376.5 (MANE Select); coding-DNA position 7317, C replaced by T.
Protein change: p.His2439=; no amino-acid change (histidine 2439 retained).
Molecular consequence: synonymous variant.
Genome position (GRCh38, 1-based): chr14:102,015,930, C>T. VCF-style: chr14-102015930-C-T. GRCh37 (hg19) VCF-style: chr14-102482267-C-T.
Identifiers: ClinVar variation 539821 (VCV000539821.43), dbSNP rs200197781, ClinGen allele CA7352796.